The following is an entry in ClinVar:

ClinVar aggregate classification (germline): Uncertain significance (1 of 4 stars; one submission).

Submission:

Mayo Clinic Laboratories, Mayo Clinic
Classification: Uncertain significance. Last evaluated: 2023-06-30. Review status: criteria provided, single submitter. Criteria: ACMG Guidelines, 2015. Collection method: clinical testing. Allele origin: germline. Observed: 1 variant allele.
Comment: PM2_moderate

NM_004999.4(MYO6):c.142G>A (p.Val48Met)

Gene: MYO6 (myosin VI; plus strand). Cytogenetic location: 6q14.1.
Variant type: single nucleotide variant.
Coding change: c.142G>A on transcript NM_004999.4 (MANE Select); coding-DNA position 142, G replaced by A.
Protein change: p.Val48Met; replaces valine 48 with methionine.
Molecular consequence: missense variant. On other transcripts: non-coding transcript variant (2).
Genome position (GRCh38, 1-based): chr6:75,822,806, G>A. VCF-style: chr6-75822806-G-A. GRCh37 (hg19) VCF-style: chr6-76532523-G-A.
Other names: p.Val48Met; c.142G>A, p.Val48Met (NM_001300899.2, NM_001368136.1, NM_001368137.1 and 5 more transcripts); short protein forms V48M.
Identifiers: ClinVar variation 3379702 (VCV003379702.1).